The following is an entry in ClinVar:

NM_014956.5(CEP164):c.925G>A (p.Gly309Ser)

Gene: CEP164 (centrosomal protein 164; plus strand). Cytogenetic location: 11q23.3.
Variant type: single nucleotide variant.
Coding change: c.925G>A on transcript NM_014956.5 (MANE Select); coding-DNA position 925, G replaced by A.
Protein change: p.Gly309Ser; replaces glycine 309 with serine.
Molecular consequence: missense variant.
Genome position (GRCh38, 1-based): chr11:117,371,239, G>A. VCF-style: chr11-117371239-G-A. GRCh37 (hg19) VCF-style: chr11-117241955-G-A.
Other names: c.925G>A, p.Gly309Ser (NM_001271933.2); short protein forms G309S.
Identifiers: ClinVar variation 2095640 (VCV002095640.4), dbSNP rs773443509, ClinGen allele CA382737251.
Genomic context (GRCh38, chr11:117,371,239, plus strand): 5'-GCAGACAGCAGTCTGAGCAGTGCTGTTGGCAAAGGGCGACAGGGAAGTGGAGCAAGACCT[G>A]GTCTTCCAGAAAAAGAGGAAAATGAGAAGAGTGAACCTAAGATTTGCAGGAATCTGGTGA-3'
Protein context (NP_055771.4, residues 299-319): KGRQGSGARP[Gly309Ser]LPEKEENEKS

ClinVar aggregate classification (germline): Uncertain significance (1 of 4 stars; one submission).

Conditions:
Nephronophthisis 15 (NPHP15). Identifiers: Orphanet 3156, MedGen C3541853, MONDO:0013917, OMIM 614845.

Submission:

Labcorp Genetics (formerly Invitae), Labcorp
Classification: Uncertain significance for Nephronophthisis 15. Last evaluated: 2022-02-09. Review status: criteria provided, single submitter. Criteria: Invitae Variant Classification Sherloc (09022015). Collection method: clinical testing. Allele origin: germline.
Comment: This sequence change replaces glycine, which is neutral and non-polar, with serine, which is neutral and polar, at codon 309 of the CEP164 protein (p.Gly309Ser). This variant is not present in population databases (gnomAD no frequency). This variant has not been reported in the literature in individuals affected with CEP164-related conditions. Algorithms developed to predict the effect of missense changes on protein structure and function (SIFT, PolyPhen-2, Align-GVGD) all suggest that this variant is likely to be tolerated. In summary, the available evidence is currently insufficient to determine the role of this variant in disease. Therefore, it has been classified as a Variant of Uncertain Significance.